The following is an entry in ClinVar:

NM_001849.4(COL6A2):c.1997G>A (p.Ser666Asn)

Gene: COL6A2 (collagen type VI alpha 2 chain; plus strand). Cytogenetic location: 21q22.3.
Variant type: single nucleotide variant.
Coding change: c.1997G>A on transcript NM_001849.4 (MANE Select); coding-DNA position 1997, G replaced by A.
Protein change: p.Ser666Asn; replaces serine 666 with asparagine.
Molecular consequence: missense variant.
Genome position (GRCh38, 1-based): chr21:46,125,812, G>A. VCF-style: chr21-46125812-G-A. GRCh37 (hg19) VCF-style: chr21-47545726-G-A.
Other names: c.1997G>A (NM_001849.3); c.1997G>A, p.Ser666Asn (NM_058174.3, NM_058175.3); short protein forms S666N.
Identifiers: ClinVar variation 191318 (VCV000191318.14), dbSNP rs786205642, ClinGen allele CA236432.

ClinVar aggregate classification (germline): Conflicting classifications of pathogenicity. Review status: criteria provided, conflicting classifications (1 of 4 stars). 5 submissions from 5 submitters: Likely pathogenic (3); Uncertain significance (2). Last evaluated 2025-06-24.

Conditions:
Autosomal dominant COL6A2-related disorders.
Bethlem myopathy 1A. Also called: MYOPATHY, BENIGN CONGENITAL, WITH CONTRACTURES; Bethlem myopathy 1; Bethlem Muscular Dystrophy. Identifiers: Orphanet 610, MedGen CN029274, MONDO:0024530, OMIM 158810.

Submissions (5):

Variantyx, Inc.
Classification: Likely pathogenic for Autosomal dominant COL6A2-related disorders. Last evaluated: 2025-06-24. Review status: criteria provided, single submitter. Criteria: Variantyx Assertion Criteria 2022. Collection method: clinical testing. Allele origin: de novo. Inheritance: Autosomal dominant inheritance. Affected: yes.
Comment: This is a nonsynonymous variant in the COL6A2 gene (OMIM: 120240). Pathogenic variants in this gene have been associated with autosomal dominant COL6A2-related disorders. This variant likely occurred de novo in at least one affected individual reported in the published literature; however, the possibility of parental germline mosaicism cannot be excluded (PMID: 18378883) (PS2). This variant has been also reported in at least one affected individuals with unknown inheritance (PMID: 25211533) (PS4). Multiple computational algorithms predict a deleterious effect for this variant (REVEL score: 0.676) (PP3). It is absent from control populations (PM2). Based on the current evidence, this variant is classified as likely pathogenic for autosomal dominant COL6A2-related disorders.This variant was reported by previous genetic testing.

Athena Diagnostics
Classification: Uncertain significance. Last evaluated: 2025-06-20. Review status: criteria provided, single submitter. Criteria: Athena Diagnostics Criteria. Collection method: clinical testing. Allele origin: unknown.
Comment: Available data are insufficient to determine the clinical significance of the variant at this time. This variant has not been reported in large, multi-ethnic general populations. This variant has been identified in at least one individual, including a de novo case, with clinical features associated with autosomal dominant Bethlem myopathy. Polyphen and MutationTaster predict this amino acid change may be damaging to the protein. This variant is predicted to result in the following change to the post-translational modification (PTM) of the COL6A2 protein: Loss of phosphorylation site. PTM is often important to normal protein function, but the effect of this predicted change (if any) is unknown.

Labcorp Genetics (formerly Invitae), Labcorp
Classification: Likely pathogenic for Bethlem myopathy 1A. Last evaluated: 2022-11-29. Review status: criteria provided, single submitter. Criteria: Invitae Variant Classification Sherloc (09022015). Collection method: clinical testing. Allele origin: germline.
Comment: This sequence change replaces serine, which is neutral and polar, with asparagine, which is neutral and polar, at codon 666 of the COL6A2 protein (p.Ser666Asn). In summary, the currently available evidence indicates that the variant is pathogenic, but additional data are needed to prove that conclusively. Therefore, this variant has been classified as Likely Pathogenic. Advanced modeling of protein sequence and biophysical properties (such as structural, functional, and spatial information, amino acid conservation, physicochemical variation, residue mobility, and thermodynamic stability) performed at Invitae indicates that this missense variant is expected to disrupt COL6A2 protein function. ClinVar contains an entry for this variant (Variation ID: 191318). This missense change has been observed in individual(s) with Bethlem myopathy (PMID: 18378883, 25211533). In at least one individual the variant was observed to be de novo. This variant is not present in population databases (gnomAD no frequency).

Revvity Omics, Revvity
Classification: Uncertain significance. Last evaluated: 2021-12-23. Review status: criteria provided, single submitter. Criteria: ACMG Guidelines, 2015. Collection method: clinical testing. Allele origin: germline.

Genomic Medicine Center of Excellence, King Faisal Specialist Hospital and Research Centre
Classification: Likely pathogenic. Review status: criteria provided, single submitter. Criteria: ACMG Guidelines, 2015. Collection method: research. Allele origin: germline. Affected: yes.

Literature cited by the submitters: PubMed 25211533 (cited by 3 submitters); PubMed 18378883 (cited by 3 submitters).